The following is an entry in ClinVar:

NM_058216.3(RAD51C):c.476A>T (p.Asp159Val)

Gene: RAD51C (RAD51 paralog C; plus strand). Cytogenetic location: 17q22.
Variant type: single nucleotide variant.
Coding change: c.476A>T on transcript NM_058216.3 (MANE Select); coding-DNA position 476, A replaced by T.
Protein change: p.Asp159Val; replaces aspartic acid 159 with valine.
Molecular consequence: missense variant.
Genome position (GRCh38, 1-based): chr17:58,696,764, A>T. VCF-style: chr17-58696764-A-T. GRCh37 (hg19) VCF-style: chr17-56774125-A-T.
Other names: short protein forms D159V.
Identifiers: ClinVar variation 1742943 (VCV001742943.7), dbSNP rs1555594714, ClinGen allele CA400344699.

ClinVar aggregate classification (germline): Conflicting classifications of pathogenicity. Review status: criteria provided, conflicting classifications (1 of 4 stars). 2 submissions from 2 submitters: Likely pathogenic (1); Uncertain significance (1). Last evaluated 2025-09-05.

Conditions:
Hereditary cancer-predisposing syndrome. Also called: Neoplastic Syndromes, Hereditary; Tumor predisposition; Hereditary Cancer Syndrome; Hereditary neoplastic syndrome. Identifiers: Orphanet 140162, MedGen C0027672, MeSH D009386, MONDO:0015356.
Fanconi anemia complementation group O. Also called: RAD51C-Related Fanconi Anemia. Identifiers: Orphanet 84, MedGen C3150653, MONDO:0013248, OMIM 613390.

Submissions (2):

Ambry Genetics
Classification: Likely pathogenic for Hereditary cancer-predisposing syndrome. Last evaluated: 2025-09-05. Review status: criteria provided, single submitter. Criteria: Ambry Variant Classification Scheme 2023. Collection method: clinical testing. Allele origin: germline.
Comment: The p.D159V variant (also known as c.476A>T), located in coding exon 3 of the RAD51C gene, results from an A to T substitution at nucleotide position 476. The aspartic acid at codon 159 is replaced by valine, an amino acid with highly dissimilar properties. This amino acid position is highly conserved in available vertebrate species. In a homology-directed DNA repair (HDR) assay, this alteration showed a functionally abnormal read-out (Olvera-Le&oacute;n R et al Cell 2024 Oct;187(20):5719-5734.e19). This variant is considered to be rare based on population cohorts in the Genome Aggregation Database (gnomAD). In addition, this alteration is predicted to be deleterious by in silico analysis. Based on the majority of available evidence to date, this variant is likely to be pathogenic.

Labcorp Genetics (formerly Invitae), Labcorp
Classification: Uncertain significance for Fanconi anemia complementation group O. Last evaluated: 2023-12-06. Review status: criteria provided, single submitter. Criteria: Invitae Variant Classification Sherloc (09022015). Collection method: clinical testing. Allele origin: germline.
Comment: This sequence change replaces aspartic acid, which is acidic and polar, with valine, which is neutral and non-polar, at codon 159 of the RAD51C protein (p.Asp159Val). This variant is not present in population databases (gnomAD no frequency). This variant has not been reported in the literature in individuals affected with RAD51C-related conditions. ClinVar contains an entry for this variant (Variation ID: 1742943). Advanced modeling of protein sequence and biophysical properties (such as structural, functional, and spatial information, amino acid conservation, physicochemical variation, residue mobility, and thermodynamic stability) performed at Invitae indicates that this missense variant is expected to disrupt RAD51C protein function with a positive predictive value of 80%. In summary, the available evidence is currently insufficient to determine the role of this variant in disease. Therefore, it has been classified as a Variant of Uncertain Significance.

Literature cited by the submitters: PubMed 31742824 (cited by Ambry Genetics).